The following is an entry in ClinVar:

NM_000978.4(RPL23):c.12A>G (p.Arg4=)

Genes: RPL23 (ribosomal protein L23; minus strand), LOC126862551 (P300/CBP strongly-dependent group 1 enhancer GRCh37_chr17:37008921-37010120; plus strand). Cytogenetic location: 17q12.
Variant type: single nucleotide variant.
Coding change: c.12A>G on transcript NM_000978.4 (MANE Select); coding-DNA position 12, A replaced by G.
Protein change: p.Arg4=; no amino-acid change (arginine 4 retained).
Molecular consequence: synonymous variant.
Genome position (GRCh38, 1-based): chr17:38,853,699, T>C on the plus strand (A>G on the coding strand, the complement: RPL23 is on the minus strand). VCF-style: chr17-38853699-T-C. GRCh37 (hg19) VCF-style: chr17-37009952-T-C.
Identifiers: ClinVar variation 2720839 (VCV002720839.4), dbSNP rs531763616, ClinGen allele CA8526660.

ClinVar aggregate classification (germline): Uncertain significance (1 of 4 stars; one submission).

Allele frequency attached by ClinVar (database versions not stated): gnomAD exomes 0.00005; gnomAD 0.00006; ExAC 0.00008; TOPMed 0.00009; 1000 Genomes Project 30x 0.00016; 1000 Genomes Project 0.00020.
gnomAD v4.1: 97 of 1,613,896 alleles (0.006%); highest among the groups gnomAD compares: Admixed American, 0.032%; no homozygotes.

Submissions (2):

Labcorp Genetics (formerly Invitae), Labcorp
Classification: Uncertain significance. Last evaluated: 2025-12-30. Review status: criteria provided, single submitter. Criteria: Invitae Variant Classification Sherloc (09022015). Collection method: clinical testing. Allele origin: germline.
Comment: This sequence change affects codon 4 of the RPL23 mRNA. It is a 'silent' change, meaning that it does not change the encoded amino acid sequence of the RPL23 protein. It affects a nucleotide within the consensus splice site. This variant is present in population databases (rs531763616, gnomAD 0.03%). This variant has not been reported in the literature in individuals affected with RPL23-related conditions. ClinVar contains an entry for this variant (Variation ID: 2720839). Algorithms developed to predict the effect of sequence changes on RNA splicing suggest that this variant may disrupt the consensus splice site. In summary, the available evidence is currently insufficient to determine the role of this variant in disease. Therefore, it has been classified as a Variant of Uncertain Significance.

Dr. Peter K. Rogan Lab, Western University
No classification provided (evidence only). Condition: Gastric cancer. Review status: no classification provided. Collection method: in vitro. Allele origin: not applicable. Functional consequence: retained intron. Not counted in ClinVar's aggregate classification.